The following is an entry in ClinVar:

ClinVar aggregate classification (germline): Likely benign (0 of 4 stars; one submission).

Conditions:
RIMS3-related disorder. Also called: RIMS3-related condition.

Submission:

PreventionGenetics, part of Exact Sciences
Classification: Likely benign for RIMS3-related condition. Last evaluated: 2024-03-27. Review status: no assertion criteria provided. Collection method: clinical testing. Allele origin: germline.
Comment: This variant is classified as likely benign based on ACMG/AMP sequence variant interpretation guidelines (Richards et al. 2015 PMID: 25741868, with internal and published modifications).

NM_014747.3(RIMS3):c.694C>T (p.Pro232Ser)

Genes: RIMS3 (regulating synaptic membrane exocytosis 3; minus strand), LOC126805714 (CDK7 strongly-dependent group 2 enhancer GRCh37_chr1:41093974-41095173; plus strand). Cytogenetic location: 1p34.2.
Variant type: single nucleotide variant.
Coding change: c.694C>T on transcript NM_014747.3 (MANE Select); coding-DNA position 694, C replaced by T.
Protein change: p.Pro232Ser; replaces proline 232 with serine.
Molecular consequence: missense variant.
Genome position (GRCh38, 1-based): chr1:40,628,830, G>A on the plus strand (C>T on the coding strand, the complement: RIMS3 is on the minus strand). VCF-style: chr1-40628830-G-A. GRCh37 (hg19) VCF-style: chr1-41094502-G-A.
Other names: short protein forms P232S.
Identifiers: ClinVar variation 3356146 (VCV003356146.1).